The following is an entry in ClinVar:

ClinVar aggregate classification (germline): Uncertain significance (1 of 4 stars; one submission).

Conditions:
Cardiovascular phenotype. Identifiers: MedGen CN230736.

Submission:

Ambry Genetics
Classification: Uncertain significance for Cardiovascular phenotype. Last evaluated: 2026-07-07. Review status: criteria provided, single submitter. Criteria: Ambry Variant Classification Scheme 2023. Collection method: clinical testing. Allele origin: germline.
Comment: The p.H4188N variant (also known as c.12562C>A), located in coding exon 29 of the APOB gene, results from a C to A substitution at nucleotide position 12562. The histidine at codon 4188 is replaced by asparagine, an amino acid with similar properties. This amino acid position is conserved. In addition, this alteration is predicted to be tolerated by in silico analysis. Based on the available evidence, the clinical significance of this variant remains unclear.

NM_000384.3(APOB):c.12562C>A (p.His4188Asn)

Gene: APOB (apolipoprotein B; minus strand). Cytogenetic location: 2p24.1.
Variant type: single nucleotide variant.
Coding change: c.12562C>A on transcript NM_000384.3 (MANE Select); coding-DNA position 12562, C replaced by A.
Protein change: p.His4188Asn; replaces histidine 4188 with asparagine.
Molecular consequence: missense variant.
Genome position (GRCh38, 1-based): chr2:21,002,860, G>T on the plus strand (C>A on the coding strand, the complement: APOB is on the minus strand). VCF-style: chr2-21002860-G-T. GRCh37 (hg19) VCF-style: chr2-21225732-G-T.
Other names: short protein forms H4188N.
Identifiers: ClinVar variation 5027586 (VCV005027586.1).